The following is an entry in ClinVar:

ClinVar aggregate classification (germline): Likely pathogenic (1 of 4 stars; one submission).

Conditions:
Retinal dystrophy. Also called: Inherited retinal dystrophy. Identifiers: Orphanet 71862, MedGen C0854723, MeSH D058499, MONDO:0019118, HP:0000556.

gnomAD v4.1: 1 of 1,605,624 alleles (0.000062%); highest among the groups gnomAD compares: Non-Finnish European, 0.000085%; no homozygotes.

Submission:

Ophthalmic Genetics Group, Institute of Molecular and Clinical Ophthalmology Basel
Classification: Likely pathogenic for Retinal dystrophy. Last evaluated: 2024-05-27. Review status: criteria provided, single submitter. Criteria: ACMG Guidelines, 2015. Collection method: research. Allele origin: germline. Affected: yes. Observed: 2 variant alleles.
Comment: This variant was classified as Likely pathogenic based on ACMG criteria: PVS1_very strong, PM2_sup and PP1_strong

Literature cited by the submitters: PubMed 36259723; PubMed 25113443; PubMed 40180963.

NM_177965.4(CFAP418):c.374+1G>A

Gene: CFAP418 (cilia and flagella associated protein 418; minus strand). Cytogenetic location: 8q22.1.
Variant type: single nucleotide variant.
Coding change: c.374+1G>A on transcript NM_177965.4 (MANE Select); the canonical splice donor site of the intron after coding-DNA position 374, G replaced by A.
Molecular consequence: splice donor variant.
Genome position (GRCh38, 1-based): chr8:95,259,839, C>T on the plus strand (G>A on the coding strand, the complement: CFAP418 is on the minus strand). VCF-style: chr8-95259839-C-T. GRCh37 (hg19) VCF-style: chr8-96272067-C-T.
Other names: NC_000008.10:g.96272067C>T; NP_808880.1:p.?; c.374+1G>A (NM_001363260.1).
Identifiers: ClinVar variation 3381781 (VCV003381781.2).